The following is an entry in ClinVar:

ClinVar aggregate classification (germline): Uncertain significance (1 of 4 stars; one submission).

Submission:

Labcorp Genetics (formerly Invitae), Labcorp
Classification: Uncertain significance. Last evaluated: 2022-08-09. Review status: criteria provided, single submitter. Criteria: Invitae Variant Classification Sherloc (09022015). Collection method: clinical testing. Allele origin: germline.
Comment: This sequence change replaces alanine, which is neutral and non-polar, with aspartic acid, which is acidic and polar, at codon 52 of the TPP1 protein (p.Ala52Asp). This variant is not present in population databases (gnomAD no frequency). This variant has not been reported in the literature in individuals affected with TPP1-related conditions. ClinVar contains an entry for this variant (Variation ID: 1487259). Advanced modeling of protein sequence and biophysical properties (such as structural, functional, and spatial information, amino acid conservation, physicochemical variation, residue mobility, and thermodynamic stability) performed at Invitae indicates that this missense variant is expected to disrupt TPP1 protein function. In summary, the available evidence is currently insufficient to determine the role of this variant in disease. Therefore, it has been classified as a Variant of Uncertain Significance.

NM_000391.4(TPP1):c.155C>A (p.Ala52Asp)

Gene: TPP1 (tripeptidyl peptidase 1; minus strand). Cytogenetic location: 11p15.4.
Variant type: single nucleotide variant.
Coding change: c.155C>A on transcript NM_000391.4 (MANE Select); coding-DNA position 155, C replaced by A.
Protein change: p.Ala52Asp; replaces alanine 52 with aspartic acid.
Molecular consequence: missense variant.
Genome position (GRCh38, 1-based): chr11:6,618,850, G>T on the plus strand (C>A on the coding strand, the complement: TPP1 is on the minus strand). VCF-style: chr11-6618850-G-T. GRCh37 (hg19) VCF-style: chr11-6640081-G-T.
Other names: short protein forms A52D.
Identifiers: ClinVar variation 1487259 (VCV001487259.8), dbSNP rs2134598027, ClinGen allele CA379476788.